The following is an entry in ClinVar:

NM_000038.6(APC):c.6082A>C (p.Ser2028Arg)

Gene: APC (APC regulator of Wnt signaling pathway; plus strand). Cytogenetic location: 5q22.2.
Variant type: single nucleotide variant.
Coding change: c.6082A>C on transcript NM_000038.6 (MANE Select); coding-DNA position 6082, A replaced by C.
Protein change: p.Ser2028Arg; replaces serine 2028 with arginine.
Molecular consequence: missense variant. On other transcripts: non-coding transcript variant (2).
Genome position (GRCh38, 1-based): chr5:112,841,676, A>C. VCF-style: chr5-112841676-A-C. GRCh37 (hg19) VCF-style: chr5-112177373-A-C.
Other names: c.6082A>C, p.Ser2028Arg (NM_001127510.3, NM_001354895.2, NM_001407450.1); c.6028A>C, p.Ser2010Arg (NM_001127511.3); c.6136A>C, p.Ser2046Arg (NM_001354896.2, NM_001407447.1, NM_001407448.1 and 1 more transcripts); c.6112A>C, p.Ser2038Arg (NM_001354897.2); c.6007A>C, p.Ser2003Arg (NM_001354898.2); c.5998A>C, p.Ser2000Arg (NM_001354899.2); c.5959A>C, p.Ser1987Arg (NM_001354900.2); c.5905A>C, p.Ser1969Arg (NM_001354901.2, NM_001407453.1); and 11 more; short protein forms S1868R, S1899R, S1945R, S1969R, S1987R, S2003R, S2056R, S1644R.
Identifiers: ClinVar variation 3930069 (VCV003930069.1).

ClinVar aggregate classification (germline): Uncertain significance (1 of 4 stars; one submission).

Conditions:
Hereditary cancer-predisposing syndrome. Also called: Tumor predisposition; Hereditary neoplastic syndrome; Hereditary Cancer Syndrome; Neoplastic Syndromes, Hereditary. Identifiers: Orphanet 140162, MedGen C0027672, MeSH D009386, MONDO:0015356.

Submission:

Ambry Genetics
Classification: Uncertain significance for Hereditary cancer-predisposing syndrome. Last evaluated: 2025-06-14. Review status: criteria provided, single submitter. Criteria: Ambry Variant Classification Scheme 2023. Collection method: clinical testing. Allele origin: germline.
Comment: The p.S2028R variant (also known as c.6082A>C), located in coding exon 15 of the APC gene, results from an A to C substitution at nucleotide position 6082. The serine at codon 2028 is replaced by arginine, an amino acid with dissimilar properties. This amino acid position is conserved. In addition, in silico predictors for this gene do not accurately predict pathogenicity. Based on the available evidence, the clinical significance of this variant remains unclear.